The following is an entry in ClinVar:

ClinVar aggregate classification (germline): Uncertain significance (1 of 4 stars; one submission).

Allele frequency attached by ClinVar (database versions not stated): gnomAD exomes below 0.00001; TOPMed below 0.00001; gnomAD 0.00001.
gnomAD v4.1: 6 of 1,614,048 alleles (0.00037%); highest among the groups gnomAD compares: African/African-American, 0.0027%; no homozygotes.

Submission:

Women's Health and Genetics/Laboratory Corporation of America, LabCorp
Classification: Uncertain significance. Last evaluated: 2024-04-05. Review status: criteria provided, single submitter. Criteria: LabCorp Variant Classification Summary - May 2015. Collection method: clinical testing. Allele origin: germline.
Comment: Variant summary: SRRM2 c.5498C>T (p.Thr1833Ile) results in a non-conservative amino acid change in the encoded protein sequence. Three of five in-silico tools predict a damaging effect of the variant on protein function. The variant was absent in 251176 control chromosomes. The available data on variant occurrences in the general population are insufficient to allow any conclusion about variant significance. To our knowledge, no occurrence of c.5498C>T in individuals affected with Intellectual Developmental Disorder, Autosomal Dominant 72 and no experimental evidence demonstrating its impact on protein function have been reported. No submitters have cited clinical-significance assessments for this variant to ClinVar. Based on the evidence outlined above, the variant was classified as uncertain significance.

NM_016333.4(SRRM2):c.5498C>T (p.Thr1833Ile)

Gene: SRRM2 (serine/arginine repetitive matrix 2; plus strand). Cytogenetic location: 16p13.3.
Variant type: single nucleotide variant.
Coding change: c.5498C>T on transcript NM_016333.4 (MANE Select); coding-DNA position 5498, C replaced by T.
Protein change: p.Thr1833Ile; replaces threonine 1833 with isoleucine.
Molecular consequence: missense variant.
Genome position (GRCh38, 1-based): chr16:2,766,026, C>T. VCF-style: chr16-2766026-C-T. GRCh37 (hg19) VCF-style: chr16-2816027-C-T.
Other names: short protein forms T1833I.
Identifiers: ClinVar variation 3251514 (VCV003251514.1), dbSNP rs1180933150.
Genomic context (GRCh38, chr16:2,766,026, plus strand): 5'-GGCGGAGGGGAGGCTCTGGTTATCACTCAAGGTCACCTGCCCGGCAGGAAAGTTCCCGGA[C>T]CTCCTCTCGACGCCGAAGAGGCCGCTCTCGGACACCCCCAACCAGTCGGAAGCGTTCTCG-3'
Protein context (NP_057417.3, residues 1823-1843): RSPARQESSR[Thr1833Ile]SSRRRRGRSR